The following is an entry in ClinVar:

ClinVar aggregate classification (germline): Pathogenic (1 of 4 stars; one submission).

Conditions:
Glycogen storage disease, type V (GSD5). Also called: MCARDLE DISEASE; MUSCLE GLYCOGEN PHOSPHORYLASE DEFICIENCY; MYOPHOSPHORYLASE DEFICIENCY; PYGM DEFICIENCY; McArdle type glycogen storage disease. Identifiers: Orphanet 368, MedGen C0017924, MONDO:0009293, OMIM 232600.

Submission:

Myriad Genetics, Inc.
Classification: Pathogenic for Glycogen storage disease, type V. Last evaluated: 2024-05-14. Review status: criteria provided, single submitter. Criteria: Myriad Autosomal Dominant, Autosomal Recessive and X-Linked Classification Criteria (2023). Collection method: clinical testing. Allele origin: unknown.
Comment: NM_005609.2(PYGM):c.904_905ins19(A302Efs*26) is expected to be pathogenic in the context of glycogen storage disease, PYGM-related. This variant is predicted to lead to an abnormal or absent protein product due to the creation of a premature termination codon in PYGM, a gene where loss-of-function variants are known to be pathogenic. Please note: this variant was assessed in the context of healthy population screening.

NM_005609.4(PYGM):c.904_905insAGCTCGCTATCAGCCTCGA (p.Ala302fs)

Gene: PYGM (glycogen phosphorylase, muscle associated; minus strand). Cytogenetic location: 11q13.1.
Variant type: Insertion.
Coding change: c.904_905insAGCTCGCTATCAGCCTCGA on transcript NM_005609.4 (MANE Select); coding-DNA positions 904 to 905, AGCTCGCTATCAGCCTCGA inserted.
Protein change: p.Ala302fs; shifts the reading frame from alanine 302.
Molecular consequence: frameshift variant.
Genome position: GRCh38 VCF-style: chr11-64754787-G-GTCGAGGCTGATAGCGAGCT. GRCh37 (hg19) VCF-style: chr11-64522259-G-GTCGAGGCTGATAGCGAGCT.
Other names: c.640_641insAGCTCGCTATCAGCCTCGA, p.Ala214fs (NM_001164716.1); short protein forms A214fs, A302fs.
Identifiers: ClinVar variation 5010618 (VCV005010618.1).